The following is an entry in ClinVar:

ClinVar aggregate classification (germline): Pathogenic (1 of 4 stars; one submission).

Conditions:
Joubert syndrome 8 (JBTS8). Identifiers: Orphanet 475, MedGen C2676771, MONDO:0012855, OMIM 612291.

Submission:

Labcorp Genetics (formerly Invitae), Labcorp
Classification: Pathogenic for Joubert syndrome 8. Last evaluated: 2025-04-07. Review status: criteria provided, single submitter. Criteria: Invitae Variant Classification Sherloc (09022015). Collection method: clinical testing. Allele origin: germline.
Comment: This sequence change creates a premature translational stop signal (p.Gln326Argfs*3) in the ARL13B gene. It is expected to result in an absent or disrupted protein product. Loss-of-function variants in ARL13B are known to be pathogenic (PMID: 18674751). This variant is not present in population databases (gnomAD no frequency). This variant has not been reported in the literature in individuals affected with ARL13B-related conditions. For these reasons, this variant has been classified as Pathogenic.

Literature cited by the submitters: PubMed 18674751.

NM_001174150.2(ARL13B):c.977del (p.Gln326fs)

Gene: ARL13B (ARF like GTPase 13B; plus strand). Cytogenetic location: 3q11.2.
Variant type: Deletion.
Coding change: c.977del on transcript NM_001174150.2 (MANE Select); coding-DNA position 977, one base deleted (A; older notation c.977delA).
Protein change: p.Gln326fs; shifts the reading frame from glutamine 326.
Molecular consequence: frameshift variant. On other transcripts: non-coding transcript variant (2).
Genome position (GRCh38, 1-based): chr3:94,043,193, A deleted. VCF-style (leftmost placement, unchanged base first): chr3-94043192-CA-C. GRCh37 (hg19) VCF-style: chr3-93762036-CA-C.
Other names: c.668del, p.Gln223fs (NM_001174151.2); c.932del, p.Gln311fs (NM_001321328.2); c.977del, p.Gln326fs (NM_001410782.1, NM_182896.3); c.656del, p.Gln219fs (NM_001437443.1, NM_144996.4); short protein forms Q311fs, Q219fs, Q326fs, Q223fs.
Identifiers: ClinVar variation 4716798 (VCV004716798.1).
Genomic context (GRCh38, chr3:94,043,192, plus strand): 5'-CACAATGGCCAAAAAAATAATGAATTTGGACTAGTAGAAAATTATAAGGAGGCATTAACA[CA>C]GCAGTTAAAGAATGAAGATGAGACAGACCGGCCATCATTGGAATCAGGTAATAAATCTAG-3'